The following is an entry in ClinVar:

NM_023036.6(DNAI2):c.1028T>G (p.Ile343Ser)

Gene: DNAI2 (dynein axonemal intermediate chain 2; plus strand). Cytogenetic location: 17q25.1.
Variant type: single nucleotide variant.
Coding change: c.1028T>G on transcript NM_023036.6 (MANE Select); coding-DNA position 1028, T replaced by G.
Protein change: p.Ile343Ser; replaces isoleucine 343 with serine.
Molecular consequence: missense variant. On other transcripts: non-coding transcript variant (1).
Genome position (GRCh38, 1-based): chr17:74,305,259, T>G. VCF-style: chr17-74305259-T-G. GRCh37 (hg19) VCF-style: chr17-72301398-T-G.
Other names: c.1028T>G, p.Ile343Ser (NM_001172810.3, NM_001353167.2); short protein forms I343S.
Identifiers: ClinVar variation 1907167 (VCV001907167.5), dbSNP rs2509752143, ClinGen allele CA400909816.

ClinVar aggregate classification (germline): Likely pathogenic (1 of 4 stars; one submission).

Conditions:
Primary ciliary dyskinesia. Also called: Ciliary dyskinesia. Identifiers: Orphanet 244, MedGen C0008780, MONDO:0016575, HP:0012265.

Submission:

Labcorp Genetics (formerly Invitae), Labcorp
Classification: Likely pathogenic for Primary ciliary dyskinesia. Last evaluated: 2023-09-21. Review status: criteria provided, single submitter. Criteria: Invitae Variant Classification Sherloc (09022015). Collection method: clinical testing. Allele origin: germline.
Comment: In summary, the currently available evidence indicates that the variant is pathogenic, but additional data are needed to prove that conclusively. Therefore, this variant has been classified as Likely Pathogenic. Advanced modeling of protein sequence and biophysical properties (such as structural, functional, and spatial information, amino acid conservation, physicochemical variation, residue mobility, and thermodynamic stability) performed at Invitae indicates that this missense variant is expected to disrupt DNAI2 protein function. ClinVar contains an entry for this variant (Variation ID: 1907167). This missense change has been observed in individual(s) with DNAI2 related-conditions (Invitae). This variant is not present in population databases (gnomAD no frequency). This sequence change replaces isoleucine, which is neutral and non-polar, with serine, which is neutral and polar, at codon 343 of the DNAI2 protein (p.Ile343Ser).